The following is an entry in ClinVar:

ClinVar aggregate classification (germline): Uncertain significance (1 of 4 stars; one submission).

Allele frequency attached by ClinVar (database versions not stated): TOPMed 0.00007; ESP Exome Variant Server 0.00008; gnomAD exomes 0.00009; ExAC 0.00011; gnomAD 0.00012; 1000 Genomes Project 30x 0.00016; 1000 Genomes Project 0.00020.
gnomAD v4.1: 142 of 1,613,972 alleles (0.0088%); highest among the groups gnomAD compares: South Asian, 0.018%; no homozygotes.

Submission:

Labcorp Genetics (formerly Invitae), Labcorp
Classification: Uncertain significance. Last evaluated: 2023-03-02. Review status: criteria provided, single submitter. Criteria: Invitae Variant Classification Sherloc (09022015). Collection method: clinical testing. Allele origin: germline.
Comment: Advanced modeling of protein sequence and biophysical properties (such as structural, functional, and spatial information, amino acid conservation, physicochemical variation, residue mobility, and thermodynamic stability) performed at Invitae indicates that this missense variant is expected to disrupt LHCGR protein function. In summary, the available evidence is currently insufficient to determine the role of this variant in disease. Therefore, it has been classified as a Variant of Uncertain Significance. ClinVar contains an entry for this variant (Variation ID: 1376235). This variant has not been reported in the literature in individuals affected with LHCGR-related conditions. This variant is present in population databases (rs377391010, gnomAD 0.02%). This sequence change replaces glycine, which is neutral and non-polar, with serine, which is neutral and polar, at codon 504 of the LHCGR protein (p.Gly504Ser).

NM_000233.4(LHCGR):c.1510G>A (p.Gly504Ser)

Genes: LHCGR (luteinizing hormone/choriogonadotropin receptor; minus strand), STON1-GTF2A1L (STON1-GTF2A1L readthrough; plus strand). Cytogenetic location: 2p16.3.
Variant type: single nucleotide variant.
Coding change: c.1510G>A on transcript NM_000233.4 (MANE Select); coding-DNA position 1510, G replaced by A.
Protein change: p.Gly504Ser; replaces glycine 504 with serine.
Molecular consequence: missense variant. On other transcripts: intron variant (1).
Genome position (GRCh38, 1-based): chr2:48,688,287, C>T on the plus strand (G>A on the coding strand, the complement: LHCGR is on the minus strand). VCF-style: chr2-48688287-C-T. GRCh37 (hg19) VCF-style: chr2-48915426-C-T.
Other names: c.3441+16607C>T (NM_001198593.2); short protein forms G504S.
Identifiers: ClinVar variation 1376235 (VCV001376235.8), dbSNP rs377391010, ClinGen allele CA1653021.